The following is an entry in ClinVar:

NM_001184.4(ATR):c.4012G>T (p.Val1338Leu)

Gene: ATR (ATR checkpoint kinase; minus strand). Cytogenetic location: 3q23.
Variant type: single nucleotide variant.
Coding change: c.4012G>T on transcript NM_001184.4 (MANE Select); coding-DNA position 4012, G replaced by T.
Protein change: p.Val1338Leu; replaces valine 1338 with leucine.
Molecular consequence: missense variant.
Genome position (GRCh38, 1-based): chr3:142,524,133, C>A on the plus strand (G>T on the coding strand, the complement: ATR is on the minus strand). VCF-style: chr3-142524133-C-A. GRCh37 (hg19) VCF-style: chr3-142242975-C-A.
Other names: c.3820G>T, p.Val1274Leu (NM_001354579.2); short protein forms V1274L, V1338L.
Identifiers: ClinVar variation 3678357 (VCV003678357.2).

ClinVar aggregate classification (germline): Uncertain significance (1 of 4 stars; one submission).

Submission:

Labcorp Genetics (formerly Invitae), Labcorp
Classification: Uncertain significance. Last evaluated: 2024-07-30. Review status: criteria provided, single submitter. Criteria: Invitae Variant Classification Sherloc (09022015). Collection method: clinical testing. Allele origin: germline.
Comment: This sequence change replaces valine, which is neutral and non-polar, with leucine, which is neutral and non-polar, at codon 1338 of the ATR protein (p.Val1338Leu). This variant is not present in population databases (gnomAD no frequency). This variant has not been reported in the literature in individuals affected with ATR-related conditions. An algorithm developed to predict the effect of missense changes on protein structure and function (PolyPhen-2) suggests that this variant is likely to be disruptive. Experimental studies have shown that this missense change does not substantially affect ATR function (PMID: 24901225). In summary, the available evidence is currently insufficient to determine the role of this variant in disease. Therefore, it has been classified as a Variant of Uncertain Significance.

Literature cited by the submitters: PubMed 24901225.